The following is an entry in ClinVar:

NM_000135.4(FANCA):c.826+10T>C

Gene: FANCA (FA complementation group A; minus strand). Cytogenetic location: 16q24.3.
Variant type: single nucleotide variant.
Coding change: c.826+10T>C on transcript NM_000135.4 (MANE Select); 10 bases into the intron after coding-DNA position 826, T replaced by C.
Molecular consequence: intron variant.
Genome position (GRCh38, 1-based): chr16:89,799,595, A>G on the plus strand (T>C on the coding strand, the complement: FANCA is on the minus strand). VCF-style: chr16-89799595-A-G. GRCh37 (hg19) VCF-style: chr16-89866003-A-G.
Other names: c.826+10T>C (NM_001286167.3, NM_001018112.3); c.730+10T>C (NM_001351830.2).
Identifiers: ClinVar variation 698568 (VCV000698568.16), dbSNP rs536052530, ClinGen allele CA8252757.

ClinVar aggregate classification (germline): Benign/Likely benign. Review status: criteria provided, multiple submitters, no conflicts (2 of 4 stars). 4 submissions from 4 submitters: Benign (1); Likely benign (1). 2 of the submissions do not count toward it. Last evaluated 2026-01-28.

Conditions:
FANCA-related disorder. Also called: FANCA-related condition.
Fanconi anemia (FA). Also called: Fanconi's anemia. Identifiers: Orphanet 84, MedGen C0015625, MeSH D005199, MONDO:0019391.

Allele frequency attached by ClinVar (database versions not stated): gnomAD below 0.00001 and 0.00017; TOPMed 0.00002; gnomAD exomes 0.00022 and 0.00041; ExAC 0.00046; 1000 Genomes Project 0.00120; 1000 Genomes Project 30x 0.00125.
gnomAD v4.1: 344 of 1,612,882 alleles (0.021%); highest among the groups gnomAD compares: South Asian, 0.33%; 3 homozygotes.

Submissions (4):

Labcorp Genetics (formerly Invitae), Labcorp
Classification: Benign for Fanconi anemia. Last evaluated: 2026-01-28. Review status: criteria provided, single submitter. Criteria: Invitae Variant Classification Sherloc (09022015). Collection method: clinical testing. Allele origin: germline.

Blueprint Genetics
Classification: Likely benign. Last evaluated: 2024-04-02. Review status: criteria provided, single submitter. Criteria: ACMG Guidelines, 2015. Collection method: clinical testing. Allele origin: germline.

Natera, Inc.
Classification: Likely benign for Fanconi anemia. Last evaluated: 2019-10-24. Review status: no assertion criteria provided. Collection method: clinical testing. Allele origin: germline. Not counted in ClinVar's aggregate classification.

PreventionGenetics, part of Exact Sciences
Classification: Likely benign for FANCA-related condition. Last evaluated: 2019-06-05. Review status: no assertion criteria provided. Collection method: clinical testing. Allele origin: germline. Not counted in ClinVar's aggregate classification.
Comment: This variant is classified as likely benign based on ACMG/AMP sequence variant interpretation guidelines (Richards et al. 2015 PMID: 25741868, with internal and published modifications).